The following is an entry in ClinVar:

NM_001365951.3(KIF1B):c.890A>C (p.Lys297Thr)

Gene: KIF1B (kinesin family member 1B; plus strand). Cytogenetic location: 1p36.22.
Variant type: single nucleotide variant.
Coding change: c.890A>C on transcript NM_001365951.3 (MANE Select); coding-DNA position 890, A replaced by C.
Protein change: p.Lys297Thr; replaces lysine 297 with threonine.
Molecular consequence: missense variant.
Genome position (GRCh38, 1-based): chr1:10,275,435, A>C. VCF-style: chr1-10275435-A-C. GRCh37 (hg19) VCF-style: chr1-10335493-A-C.
Other names: c.890A>C, p.Lys297Thr (NM_001365952.1); c.872A>C, p.Lys291Thr (NM_001365953.1, NM_015074.3, NM_183416.4); short protein forms K291T, K297T.
Identifiers: ClinVar variation 3226562 (VCV003226562.1), dbSNP rs2521148558, ClinGen allele CA338332434.
Genomic context (GRCh38, chr1:10,275,435, plus strand): 5'-GGAATTTTTTTCCCTAACGAAAAATGCTAAGACCATTTCTTTTCCTTTAATAGAGTAAAA[A>C]GAAGAAGAAAACAGATTTTATTCCCTACAGGGATTCTGTACTTACTTGGCTCCTTCGAGA-3'
Protein context (NP_001352880.1, residues 287-307): EVDNCTSKSK[Lys297Thr]KKKTDFIPYR

ClinVar aggregate classification (germline): Uncertain significance (1 of 4 stars; one submission).

Allele frequency attached by ClinVar (database versions not stated): gnomAD exomes below 0.00001.
gnomAD v4.1: 2 of 1,566,382 alleles (0.00013%); no homozygotes.

Submission:

Ambry Genetics
Classification: Uncertain significance. Last evaluated: 2023-12-14. Review status: criteria provided, single submitter. Criteria: Ambry Variant Classification Scheme 2023. Collection method: clinical testing. Allele origin: germline.
Comment: The p.K291T variant (also known as c.872A>C), located in coding exon 9 of the KIF1B gene, results from an A to C substitution at nucleotide position 872. The lysine at codon 291 is replaced by threonine, an amino acid with similar properties. This amino acid position is highly conserved in available vertebrate species. In addition, the in silico prediction for this alteration is inconclusive. The evidence for this gene-disease relationship is limited; therefore, the clinical significance of this alteration is unclear.